The following is an entry in ClinVar:

ClinVar aggregate classification (germline): Uncertain significance (1 of 4 stars; one submission).

Conditions:
Inborn genetic diseases. Identifiers: MedGen C0950123, MeSH D030342.

gnomAD v4.1: 2 of 1,614,144 alleles (0.00012%); highest among the groups gnomAD compares: Non-Finnish European, 0.00017%; no homozygotes.

Submission:

Ambry Genetics
Classification: Uncertain significance for Inborn genetic diseases. Last evaluated: 2025-04-01. Review status: criteria provided, single submitter. Criteria: Ambry Variant Classification Scheme 2023. Collection method: clinical testing. Allele origin: germline.
Comment: The p.D855N variant (also known as c.2563G>A), located in coding exon 13 of the ASXL1 gene, results from a G to A substitution at nucleotide position 2563. The aspartic acid at codon 855 is replaced by asparagine, an amino acid with highly similar properties. This amino acid position is conserved. In addition, this alteration is predicted to be tolerated by in silico analysis. Based on the available evidence, the clinical significance of this variant remains unclear.

NM_015338.6(ASXL1):c.2563G>A (p.Asp855Asn)

Gene: ASXL1 (ASXL transcriptional regulator 1; plus strand). Cytogenetic location: 20q11.21.
Variant type: single nucleotide variant.
Coding change: c.2563G>A on transcript NM_015338.6 (MANE Select); coding-DNA position 2563, G replaced by A.
Protein change: p.Asp855Asn; replaces aspartic acid 855 with asparagine.
Molecular consequence: missense variant.
Genome position (GRCh38, 1-based): chr20:32,435,275, G>A. VCF-style: chr20-32435275-G-A. GRCh37 (hg19) VCF-style: chr20-31023078-G-A.
Other names: c.2380G>A, p.Asp794Asn (NM_001363734.1); short protein forms D855N, D794N.
Identifiers: ClinVar variation 3955616 (VCV003955616.1).